The following is an entry in ClinVar:

NM_004006.3(DMD):c.10450C>T (p.Pro3484Ser)

Gene: DMD (dystrophin; minus strand). Cytogenetic location: Xp21.2.
Variant type: single nucleotide variant.
Coding change: c.10450C>T on transcript NM_004006.3 (MANE Select); coding-DNA position 10450, C replaced by T.
Protein change: p.Pro3484Ser; replaces proline 3484 with serine.
Molecular consequence: missense variant. On other transcripts: intron variant (2).
Genome position (GRCh38, 1-based): chrX:31,169,546, G>A on the plus strand (C>T on the coding strand, the complement: DMD is on the minus strand). VCF-style: chrX-31169546-G-A. GRCh37 (hg19) VCF-style: chrX-31187663-G-A.
Other names: c.10426C>T, p.Pro3476Ser (NM_000109.4); c.10438C>T, p.Pro3480Ser (NM_004009.3); c.10081C>T, p.Pro3361Ser (NM_004010.3); c.6427C>T, p.Pro2143Ser (NM_004011.4); c.6418C>T, p.Pro2140Ser (NM_004012.4); c.3070C>T, p.Pro1024Ser (NM_004013.3, NM_004021.3); c.2263C>T, p.Pro755Ser (NM_004014.3); c.1246C>T, p.Pro416Ser (NM_004015.3, NM_004016.3); and 3 more; short protein forms P1024S, P2143S, P755S, P2140S, P3476S, P403S, P416S, P3361S.
Identifiers: ClinVar variation 2565106 (VCV002565106.3), dbSNP rs2519779579, ClinGen allele CA412651947.
Genomic context (GRCh38, chrX:31,169,546, plus strand): 5'-CTCTTTCCTCACTCTCTAAGGAAATCAAGATCTGGGCAGGACTACGAGGCTGGCTCAGGG[G>A]GGAGTCCTGGTTCAAACTTTGGCAGTAATGCTGGATTAACAAATGTTCATCATCTCTGGA-3'
Protein context (NP_003997.2, residues 3474-3494): HYCQSLNQDS[Pro3484Ser]LSQPRSPAQI

ClinVar aggregate classification (germline): Uncertain significance (1 of 4 stars; one submission).

Conditions:
Cardiovascular phenotype. Identifiers: MedGen CN230736.

Submission:

Ambry Genetics
Classification: Uncertain significance for Cardiovascular phenotype. Last evaluated: 2023-06-16. Review status: criteria provided, single submitter. Criteria: Ambry Variant Classification Scheme 2023. Collection method: clinical testing. Allele origin: germline.
Comment: The p.P3484S variant (also known as c.10450C>T), located in coding exon 74 of the DMD gene, results from a C to T substitution at nucleotide position 10450. The proline at codon 3484 is replaced by serine, an amino acid with similar properties. This amino acid position is highly conserved in available vertebrate species. In addition, this alteration is predicted to be tolerated by in silico analysis. Since supporting evidence is limited at this time, the clinical significance of this alteration remains unclear.